The following is an entry in ClinVar:

NM_004629.2(FANCG):c.1199C>T (p.Ala400Val)

Gene: FANCG (FA complementation group G; minus strand). Cytogenetic location: 9p13.3.
Variant type: single nucleotide variant.
Coding change: c.1199C>T on transcript NM_004629.2 (MANE Select); coding-DNA position 1199, C replaced by T.
Protein change: p.Ala400Val; replaces alanine 400 with valine.
Molecular consequence: missense variant.
Genome position (GRCh38, 1-based): chr9:35,075,699, G>A on the plus strand (C>T on the coding strand, the complement: FANCG is on the minus strand). VCF-style: chr9-35075699-G-A. GRCh37 (hg19) VCF-style: chr9-35075696-G-A.
Other names: short protein forms A400V.
Identifiers: ClinVar variation 2167948 (VCV002167948.1), dbSNP rs773936542, ClinGen allele CA5039797.
Genomic context (GRCh38, chr9:35,075,699, plus strand): 5'-AACTCCTCACATAGAGTCAAGGCATCTTGGGCTCTGCCTGCCTGGATCAGTGCTACCGCT[G>A]CCTCCAAAAACACCTCAGGCATACAGGGCCCTGGAGGGGAGGGGGGTGGGGAGAACTGGA-3'
Protein context (NP_004620.1, residues 390-410): GPCMPEVFLE[Ala400Val]AVALIQAGRA

ClinVar aggregate classification (germline): Uncertain significance (1 of 4 stars; one submission).

Conditions:
Fanconi anemia (FA). Also called: Fanconi's anemia. Identifiers: Orphanet 84, MedGen C0015625, MeSH D005199, MONDO:0019391.

Allele frequency attached by ClinVar (database versions not stated): ExAC 0.00001.

Submission:

Labcorp Genetics (formerly Invitae), Labcorp
Classification: Uncertain significance for Fanconi anemia. Last evaluated: 2022-09-20. Review status: criteria provided, single submitter. Criteria: Invitae Variant Classification Sherloc (09022015). Collection method: clinical testing. Allele origin: germline.
Comment: This sequence change replaces alanine, which is neutral and non-polar, with valine, which is neutral and non-polar, at codon 400 of the FANCG protein (p.Ala400Val). This variant is present in population databases (rs773936542, gnomAD 0.006%). This variant has not been reported in the literature in individuals affected with FANCG-related conditions. Advanced modeling of protein sequence and biophysical properties (such as structural, functional, and spatial information, amino acid conservation, physicochemical variation, residue mobility, and thermodynamic stability) performed at Invitae indicates that this missense variant is expected to disrupt FANCG protein function. Algorithms developed to predict the effect of sequence changes on RNA splicing suggest that this variant may create or strengthen a splice site. In summary, the available evidence is currently insufficient to determine the role of this variant in disease. Therefore, it has been classified as a Variant of Uncertain Significance.